The following is an entry in ClinVar:

ClinVar aggregate classification (germline): Conflicting classifications of pathogenicity. Review status: criteria provided, conflicting classifications (1 of 4 stars). 2 submissions from 2 submitters: Uncertain significance (1); Likely benign (1). Last evaluated 2022-12-01.

Allele frequency attached by ClinVar (database versions not stated): ExAC 0.00003; gnomAD exomes 0.00003.

Submissions (2):

CeGaT Center for Human Genetics Tuebingen
Classification: Likely benign. Last evaluated: 2022-12-01. Review status: criteria provided, single submitter. Criteria: CeGaT Center For Human Genetics Tuebingen Variant Classification Criteria Version 2. Collection method: clinical testing. Allele origin: germline. Affected: yes. Observed: 1 variant allele.
Comment: GPR50: BP4, BS2

Ambry Genetics
Classification: Uncertain significance. Last evaluated: 2022-04-27. Review status: criteria provided, single submitter. Criteria: Ambry Variant Classification Scheme 2023. Collection method: clinical testing. Allele origin: germline.

NM_004224.3(GPR50):c.1015C>T (p.Arg339Cys)

Gene: GPR50 (G protein-coupled receptor 50; plus strand). Cytogenetic location: Xq28.
Variant type: single nucleotide variant.
Coding change: c.1015C>T on transcript NM_004224.3 (MANE Select); coding-DNA position 1015, C replaced by T.
Protein change: p.Arg339Cys; replaces arginine 339 with cysteine.
Molecular consequence: missense variant.
Genome position (GRCh38, 1-based): chrX:151,180,598, C>T. VCF-style: chrX-151180598-C-T. GRCh37 (hg19) VCF-style: chrX-150349070-C-T.
Other names: short protein forms R339C.
Identifiers: ClinVar variation 2286287 (VCV002286287.26), dbSNP rs765982317, ClinGen allele CA10540351.